The following is an entry in ClinVar:

NM_001151.4(SLC25A4):c.340G>C (p.Ala114Pro)

Gene: SLC25A4 (solute carrier family 25 member 4; plus strand). Cytogenetic location: 4q35.1.
Variant type: single nucleotide variant.
Coding change: c.340G>C on transcript NM_001151.4 (MANE Select); coding-DNA position 340, G replaced by C.
Protein change: p.Ala114Pro; replaces alanine 114 with proline.
Molecular consequence: missense variant.
Genome position (GRCh38, 1-based): chr4:185,144,992, G>C. VCF-style: chr4-185144992-G-C. GRCh37 (hg19) VCF-style: chr4-186066146-G-C.
Other names: short protein forms A114P.
Identifiers: ClinVar variation 18245 (VCV000018245.14), dbSNP rs104893873, ClinGen allele CA127984.
Genomic context (GRCh38, chr4:185,144,992, plus strand): 5'-AAGTACAAGCAGCTCTTCTTAGGGGGTGTGGATCGGCATAAGCAGTTCTGGCGCTACTTT[G>C]CTGGTAACCTGGCGTCCGGTGGGGCCGCTGGGGCCACCTCCCTTTGCTTTGTCTACCCGC-3'
Protein context (NP_001142.2, residues 104-124): DRHKQFWRYF[Ala114Pro]GNLASGGAAG

ClinVar aggregate classification (germline): Pathogenic. Review status: criteria provided, single submitter (1 of 4 stars). 2 submissions from 2 submitters: Pathogenic (1). 1 of the submissions does not count toward it. Last evaluated 2024-12-01.

Conditions:
Progressive external ophthalmoplegia with mitochondrial DNA deletions, autosomal dominant 2. Also called: PROGRESSIVE EXTERNAL OPHTHALMOPLEGIA, AUTOSOMAL DOMINANT 2. Identifiers: MedGen C1836460, MONDO:0012238, OMIM 609283.

Submissions (2):

CeGaT Center for Human Genetics Tuebingen
Classification: Pathogenic. Last evaluated: 2024-12-01. Review status: criteria provided, single submitter. Criteria: CeGaT Center For Human Genetics Tuebingen Variant Classification Criteria Version 2. Collection method: clinical testing. Allele origin: germline. Affected: yes. Observed: 1 variant allele.
Comment: SLC25A4: PP1:Strong, PM2, PS4:Moderate, PP3, PS3:Supporting

OMIM
Classification: Pathogenic for PROGRESSIVE EXTERNAL OPHTHALMOPLEGIA WITH MITOCHONDRIAL DNA DELETIONS, AUTOSOMAL DOMINANT 2. Last evaluated: 2000-08-04. Review status: no assertion criteria provided. Collection method: literature only. Allele origin: germline. Not counted in ClinVar's aggregate classification.

Literature cited by the submitters: PubMed 8644740 (cited by OMIM); PubMed 10364542 (cited by OMIM); PubMed 10926541 (cited by OMIM).